The following is an entry in ClinVar:

NM_001164508.2(NEB):c.23556+2T>A

Genes: NEB (nebulin; minus strand), RIF1 (replication timing regulatory factor 1; plus strand). Cytogenetic location: 2q23.3.
Variant type: single nucleotide variant.
Coding change: c.23556+2T>A on transcript NM_001164508.2 (MANE Select); the canonical splice donor site of the intron after coding-DNA position 23556, T replaced by A.
Molecular consequence: splice donor variant.
Genome position (GRCh38, 1-based): chr2:151,506,907, A>T on the plus strand (T>A on the coding strand, the complement: NEB is on the minus strand). VCF-style: chr2-151506907-A-T. GRCh37 (hg19) VCF-style: chr2-152363421-A-T.
Other names: c.18453+2T>A (NM_004543.5); c.23556+2T>A (NM_001164507.2); c.23661+2T>A (NM_001271208.2).
Identifiers: ClinVar variation 2029710 (VCV002029710.4), dbSNP rs2552008403, ClinGen allele CA348784403.

ClinVar aggregate classification (germline): Likely pathogenic (1 of 4 stars; one submission).

Conditions:
Nemaline myopathy 2 (NEM2). Also called: Nemaline myopathy 2, autosomal recessive. Identifiers: MedGen C1850569, MONDO:0009725, OMIM 256030.

Submission:

Labcorp Genetics (formerly Invitae), Labcorp
Classification: Likely pathogenic for Nemaline myopathy 2. Last evaluated: 2022-09-09. Review status: criteria provided, single submitter. Criteria: Invitae Variant Classification Sherloc (09022015). Collection method: clinical testing. Allele origin: germline.
Comment: Algorithms developed to predict the effect of sequence changes on RNA splicing suggest that this variant may disrupt the consensus splice site. In summary, the currently available evidence indicates that the variant is pathogenic, but additional data are needed to prove that conclusively. Therefore, this variant has been classified as Likely Pathogenic. This variant has not been reported in the literature in individuals affected with NEB-related conditions. This variant is not present in population databases (gnomAD no frequency). This sequence change affects a donor splice site in intron 164 of the NEB gene. It is expected to disrupt RNA splicing. Variants that disrupt the donor or acceptor splice site typically lead to a loss of protein function (PMID: 16199547), and loss-of-function variants in NEB are known to be pathogenic (PMID: 25205138).

Literature cited by the submitters: PubMed 16199547; PubMed 25205138.